The following is an entry in ClinVar:

NM_013447.4(ADGRE2):c.1814C>T (p.Thr605Ile)

Gene: ADGRE2 (adhesion G protein-coupled receptor E2; minus strand). Cytogenetic location: 19p13.12.
Variant type: single nucleotide variant.
Coding change: c.1814C>T on transcript NM_013447.4 (MANE Select); coding-DNA position 1814, C replaced by T.
Protein change: p.Thr605Ile; replaces threonine 605 with isoleucine.
Molecular consequence: missense variant.
Genome position (GRCh38, 1-based): chr19:14,751,646, G>A on the plus strand (C>T on the coding strand, the complement: ADGRE2 is on the minus strand). VCF-style: chr19-14751646-G-A. GRCh37 (hg19) VCF-style: chr19-14862458-G-A.
Other names: c.1814C>T (NM_013447.3); c.1640C>T, p.Thr547Ile (NM_001271052.1); c.1667C>T, p.Thr556Ile (NM_152916.2); c.1535C>T, p.Thr512Ile (NM_152917.2); short protein forms T512I, T547I, T605I, T556I.
Identifiers: ClinVar variation 2043628 (VCV002043628.5), dbSNP rs4410209, ClinGen allele CA9257573.

ClinVar aggregate classification (germline): Benign. Review status: criteria provided, multiple submitters, no conflicts (2 of 4 stars). 2 submissions from 2 submitters: Benign (2). Last evaluated 2026-02-04.

Conditions:
ADGRE2-related disorder. Also called: ADGRE2-related condition.

Allele frequency attached by ClinVar (database versions not stated): TOPMed 0.04828; ESP Exome Variant Server 0.05090; 1000 Genomes Project 0.05152; gnomAD exomes 0.00401; ExAC 0.01410; gnomAD 0.04405; 1000 Genomes Project 30x 0.05684.
gnomAD v4.1: 12,776 of 1,613,924 alleles (0.79%); highest among the groups gnomAD compares: African/African-American, 15%; 931 homozygotes.

Submissions (2):

Labcorp Genetics (formerly Invitae), Labcorp
Classification: Benign. Last evaluated: 2026-02-04. Review status: criteria provided, single submitter. Criteria: Invitae Variant Classification Sherloc (09022015). Collection method: clinical testing. Allele origin: germline.

PreventionGenetics, part of Exact Sciences
Classification: Benign for ADGRE2-related condition. Last evaluated: 2025-10-21. Review status: criteria provided, single submitter. Criteria: ACMG Guidelines, 2015. Collection method: clinical testing. Allele origin: germline.
Comment: This variant is classified as benign based on ACMG/AMP sequence variant interpretation guidelines (Richards et al. 2015 PMID: 25741868, with internal and published modifications).